The following is an entry in ClinVar:

NM_000127.3(EXT1):c.1400A>C (p.Tyr467Ser)

Gene: EXT1 (exostosin glycosyltransferase 1; minus strand). Cytogenetic location: 8q24.11.
Variant type: single nucleotide variant.
Coding change: c.1400A>C on transcript NM_000127.3 (MANE Select); coding-DNA position 1400, A replaced by C.
Protein change: p.Tyr467Ser; replaces tyrosine 467 with serine.
Molecular consequence: missense variant.
Genome position (GRCh38, 1-based): chr8:117,822,482, T>G on the plus strand (A>C on the coding strand, the complement: EXT1 is on the minus strand). VCF-style: chr8-117822482-T-G. GRCh37 (hg19) VCF-style: chr8-118834721-T-G.
Other names: short protein forms Y467S.
Identifiers: ClinVar variation 1464632 (VCV001464632.8), dbSNP rs2129749069, ClinGen allele CA371887152.

ClinVar aggregate classification (germline): Uncertain significance (1 of 4 stars; one submission).

Conditions:
Multiple congenital exostosis (EXT). Also called: Multiple osteochondromas; Hereditary multiple osteochondromas; Multiple exostoses; MULTIPLE CARTILAGINOUS EXOSTOSES; Hereditary multiple exostoses; Hereditary multiple exostosis. Identifiers: Orphanet 321, MedGen C0015306, MONDO:0005508, HP:0002762.

Allele frequency attached by ClinVar (database versions not stated): gnomAD exomes below 0.00001.
gnomAD v4.1: 1 of 1,613,314 alleles (0.000062%); highest among the groups gnomAD compares: South Asian, 0.0011%; no homozygotes.

Submission:

Labcorp Genetics (formerly Invitae), Labcorp
Classification: Uncertain significance for Multiple congenital exostosis. Last evaluated: 2023-08-10. Review status: criteria provided, single submitter. Criteria: Invitae Variant Classification Sherloc (09022015). Collection method: clinical testing. Allele origin: germline.
Comment: This sequence change replaces tyrosine, which is neutral and polar, with serine, which is neutral and polar, at codon 467 of the EXT1 protein (p.Tyr467Ser). This variant is not present in population databases (gnomAD no frequency). This variant has not been reported in the literature in individuals affected with EXT1-related conditions. ClinVar contains an entry for this variant (Variation ID: 1464632). Advanced modeling of protein sequence and biophysical properties (such as structural, functional, and spatial information, amino acid conservation, physicochemical variation, residue mobility, and thermodynamic stability) performed at Invitae indicates that this missense variant is not expected to disrupt EXT1 protein function. In summary, the available evidence is currently insufficient to determine the role of this variant in disease. Therefore, it has been classified as a Variant of Uncertain Significance.